The following is an entry in ClinVar:

ClinVar aggregate classification (germline): Uncertain significance (1 of 4 stars; one submission).

Conditions:
Cardiovascular phenotype. Identifiers: MedGen CN230736.

gnomAD v4.1: 2 of 1,341,176 alleles (0.00015%); highest among the groups gnomAD compares: Middle Eastern, 0.056%; no homozygotes.

Submission:

Ambry Genetics
Classification: Uncertain significance for Cardiovascular phenotype. Last evaluated: 2026-06-15. Review status: criteria provided, single submitter. Criteria: Ambry Variant Classification Scheme 2023. Collection method: clinical testing. Allele origin: germline.
Comment: The p.A341T variant (also known as c.1021G>A), located in coding exon 8 of the TBX1 gene, results from a G to A substitution at nucleotide position 1021. The alanine at codon 341 is replaced by threonine, an amino acid with similar properties. This amino acid position is conserved. In addition, this alteration is predicted to be tolerated by in silico analysis. Based on the available evidence, the clinical significance of this variant remains unclear.

NM_001379200.1(TBX1):c.1048G>A (p.Ala350Thr)

Gene: TBX1 (T-box transcription factor 1; plus strand). Cytogenetic location: 22q11.21.
Variant type: single nucleotide variant.
Coding change: c.1048G>A on transcript NM_001379200.1 (MANE Select); coding-DNA position 1048, G replaced by A.
Protein change: p.Ala350Thr; replaces alanine 350 with threonine.
Molecular consequence: missense variant. On other transcripts: intron variant (2).
Genome position (GRCh38, 1-based): chr22:19,766,400, G>A. VCF-style: chr22-19766400-G-A. GRCh37 (hg19) VCF-style: chr22-19753923-G-A.
Other names: c.1021G>A, p.Ala341Thr (NM_080647.1); c.1009+398G>A (NM_005992.1, NM_080646.2); short protein forms A341T, A350T.
Identifiers: ClinVar variation 5030529 (VCV005030529.1).